The following is an entry in ClinVar:

ClinVar aggregate classification (germline): Uncertain significance (1 of 4 stars; one submission).

gnomAD v4.1: 1 of 1,614,112 alleles (0.000062%); highest among the groups gnomAD compares: Non-Finnish European, 0.000085%; no homozygotes.

Submission:

CeGaT Center for Human Genetics Tuebingen
Classification: Uncertain significance. Last evaluated: 2024-12-01. Review status: criteria provided, single submitter. Criteria: CeGaT Center For Human Genetics Tuebingen Variant Classification Criteria Version 2. Collection method: clinical testing. Allele origin: germline. Affected: yes. Observed: 1 variant allele.
Comment: ARHGEF10: PM2, BP4

NM_014629.4(ARHGEF10):c.350T>C (p.Val117Ala)

Gene: ARHGEF10 (Rho guanine nucleotide exchange factor 10; plus strand). Cytogenetic location: 8p23.3.
Variant type: single nucleotide variant.
Coding change: c.350T>C on transcript NM_014629.4 (MANE Select); coding-DNA position 350, T replaced by C.
Protein change: p.Val117Ala; replaces valine 117 with alanine.
Molecular consequence: missense variant.
Genome position (GRCh38, 1-based): chr8:1,860,053, T>C. VCF-style: chr8-1860053-T-C. GRCh37 (hg19) VCF-style: chr8-1808219-T-C.
Other names: c.350T>C, p.Val117Ala (NM_001308152.2, NM_001308153.3); short protein forms V117A, V141A.
Identifiers: ClinVar variation 3772082 (VCV003772082.13).
Genomic context (GRCh38, chr8:1,860,053, plus strand): 5'-TCACGCCATTCCAGGAGGACCAGCCGCCCACCCCCGTGCCCAGCGCTGAGGAGGAGAATG[T>C]GGGTCTCCATGTGCCCTGCGGGTACTTGGTGCCTGTACCCTGCGGCTATGCGGTGCCCTC-3'
Protein context (NP_055444.2, residues 107-127): TPVPSAEEEN[Val117Ala]GLHVPCGYLV